The following is an entry in ClinVar:

NM_000218.3(KCNQ1):c.536G>C (p.Gly179Ala)

Gene: KCNQ1 (potassium voltage-gated channel subfamily Q member 1; plus strand). Cytogenetic location: 11p15.5.
Variant type: single nucleotide variant.
Coding change: c.536G>C on transcript NM_000218.3 (MANE Select); coding-DNA position 536, G replaced by C.
Protein change: p.Gly179Ala; replaces glycine 179 with alanine.
Molecular consequence: missense variant.
Genome position (GRCh38, 1-based): chr11:2,570,686, G>C. VCF-style: chr11-2570686-G-C. GRCh37 (hg19) VCF-style: chr11-2591916-G-C.
Other names: c.536G>C, p.Gly179Ala (NM_001406836.1); c.266G>C, p.Gly89Ala (NM_001406837.1); c.155G>C, p.Gly52Ala (NM_181798.2); short protein forms G179A, G52A, G89A.
Identifiers: ClinVar variation 378906 (VCV000378906.8), dbSNP rs76737438, ClinGen allele CA038267.

ClinVar aggregate classification (germline): Likely pathogenic (1 of 4 stars; one submission).

Allele frequency attached by ClinVar (database versions not stated): ExAC 0.00008.

Submission:

GeneDx
Classification: Likely pathogenic. Last evaluated: 2024-12-16. Review status: criteria provided, single submitter. Criteria: GeneDx Variant Classification Process June 2021. Collection method: clinical testing. Allele origin: germline. Affected: yes.
Comment: Not observed at significant frequency in large population cohorts (gnomAD); Has been included in a functional evaluation of KCNQ1 variants, and the effect of this variant remains unknown (PMID: 30571187); Has not been previously published as pathogenic or benign in individuals with a KCNQ1-related disorder to our knowledge; In silico analysis supports that this missense variant has a deleterious effect on protein structure/function; This variant is associated with the following publications: (PMID: 30571187, 15051636, 19716085, 27831900)